The following is an entry in ClinVar:

ClinVar aggregate classification (germline): Uncertain significance (1 of 4 stars; one submission).

Conditions:
Hypertrophic cardiomyopathy. Also called: HYPERTROPHIC MYOCARDIOPATHY. Identifiers: Orphanet 217569, MedGen C0007194, MeSH D002312, MONDO:0005045, HP:0001639.

gnomAD v4.1: 1 of 1,606,150 alleles (0.000062%); highest among the groups gnomAD compares: Non-Finnish European, 0.000085%; no homozygotes.

Submission:

All of Us Research Program, National Institutes of Health
Classification: Uncertain significance for Hypertrophic cardiomyopathy. Last evaluated: 2023-04-10. Review status: criteria provided, single submitter. Criteria: ACMG Guidelines, 2015. Collection method: clinical testing. Allele origin: germline. Inheritance: Autosomal dominant inheritance. Observed: 1 variant allele, 1 heterozygote.
Comment: This missense variant replaces glutamine with proline at codon 921 of the MYBPC3 protein. Computational prediction suggests that this variant may not impact protein structure and function (internally defined REVEL score threshold <= 0.5, PMID: 27666373). To our knowledge, functional studies have not been reported for this variant. This variant has not been reported in individuals affected with MYBPC3-related disorders in the literature. This variant has not been identified in the general population by the Genome Aggregation Database (gnomAD). The available evidence is insufficient to determine the role of this variant in disease conclusively. Therefore, this variant is classified as a Variant of Uncertain Significance.

This study involves interpretation of variants in research participants for the purpose of population health screening. Participant phenotype was not available at the time of variant classification. Additional details can be found in publication PMID: 35346344, PMCID: PMC8962531

NM_000256.3(MYBPC3):c.2762A>C (p.Gln921Pro)

Gene: MYBPC3 (myosin binding protein C3; minus strand). Cytogenetic location: 11p11.2.
Variant type: single nucleotide variant.
Coding change: c.2762A>C on transcript NM_000256.3 (MANE Select); coding-DNA position 2762, A replaced by C.
Protein change: p.Gln921Pro; replaces glutamine 921 with proline.
Molecular consequence: missense variant.
Genome position (GRCh38, 1-based): chr11:47,335,185, T>G on the plus strand (A>C on the coding strand, the complement: MYBPC3 is on the minus strand). VCF-style: chr11-47335185-T-G. GRCh37 (hg19) VCF-style: chr11-47356736-T-G.
Other names: short protein forms Q921P.
Identifiers: ClinVar variation 3070420 (VCV003070420.1), dbSNP rs986300955, ClinGen allele CA380316741.